The following is an entry in ClinVar:

NM_000188.3(HK1):c.1010G>A (p.Ser337Asn)

Gene: HK1 (hexokinase 1; plus strand). Cytogenetic location: 10q22.1.
Variant type: single nucleotide variant.
Coding change: c.1010G>A on transcript NM_000188.3 (MANE Select); coding-DNA position 1010, G replaced by A.
Protein change: p.Ser337Asn; replaces serine 337 with asparagine.
Molecular consequence: missense variant.
Genome position (GRCh38, 1-based): chr10:69,377,068, G>A. VCF-style: chr10-69377068-G-A. GRCh37 (hg19) VCF-style: chr10-71136824-G-A.
Other names: c.1022G>A, p.Ser341Asn (NM_001322364.2, NM_001358263.1, NM_033497.3 and 1 more transcripts); c.1115G>A, p.Ser372Asn (NM_001322365.2); c.926G>A, p.Ser309Asn (NM_001322366.1); c.914G>A, p.Ser305Asn (NM_001322367.1); c.1007G>A, p.Ser336Asn (NM_033496.3); c.974G>A, p.Ser325Asn (NM_033500.2); c.1010G>A (NM_000188.2); short protein forms S305N, S309N, S325N, S336N, S337N, S341N, S372N.
Identifiers: ClinVar variation 977389 (VCV000977389.14), dbSNP rs1351313925, ClinGen allele CA376916332.
Genomic context (GRCh38, chr10:69,377,068, plus strand): 5'-GCCTCTTATTTGAAGGGCGGATCACCCCGGAGCTGCTCACCCGAGGGAAGTTTAACACCA[G>A]TGATGTGTCAGCCATCGAAAAGTAGGTACCATCCCCTCAAGGCTTTCTTGGGGTGTTGGG-3'
Protein context (NP_000179.2, residues 327-347): ELLTRGKFNT[Ser337Asn]DVSAIEKNKE

ClinVar aggregate classification (germline): Uncertain significance. Review status: criteria provided, multiple submitters, no conflicts (2 of 4 stars). 5 submissions from 5 submitters: Uncertain significance (5). Last evaluated 2024-10-31.

Conditions:
Inborn genetic diseases. Identifiers: MedGen C0950123, MeSH D030342.
Neurodevelopmental disorder with visual defects and brain anomalies. Identifiers: MedGen C5231404, MONDO:0032807, OMIM 618547.

Allele frequency attached by ClinVar (database versions not stated): gnomAD exomes below 0.00001; gnomAD 0.00003; TOPMed 0.00007.
gnomAD v4.1: 13 of 1,614,076 alleles (0.00081%); highest among the groups gnomAD compares: Admixed American, 0.005%; no homozygotes.

Submissions (5):

Women's Health and Genetics/Laboratory Corporation of America, LabCorp
Classification: Uncertain significance. Last evaluated: 2024-10-31. Review status: criteria provided, single submitter. Criteria: LabCorp Variant Classification Summary - May 2015. Collection method: clinical testing. Allele origin: germline.
Comment: Variant summary: HK1 c.1010G>A (p.Ser337Asn) results in a conservative amino acid change located in the Hexokinase, C-terminal domain (IPR022673) of the encoded protein sequence. Four of five in-silico tools predict a benign effect of the variant on protein function. The variant was absent in 251482 control chromosomes. The available data on variant occurrences in the general population are insufficient to allow any conclusion about variant significance. To our knowledge, no occurrence of c.1010G>A in individuals affected with Hemolytic anemia due to hexokinase deficiency and no experimental evidence demonstrating its impact on protein function have been reported. ClinVar contains an entry for this variant (Variation ID: 977389). Based on the evidence outlined above, the variant was classified as uncertain significance.

Labcorp Genetics (formerly Invitae), Labcorp
Classification: Uncertain significance. Last evaluated: 2023-10-03. Review status: criteria provided, single submitter. Criteria: Invitae Variant Classification Sherloc (09022015). Collection method: clinical testing. Allele origin: germline.
Comment: This sequence change replaces serine, which is neutral and polar, with asparagine, which is neutral and polar, at codon 337 of the HK1 protein (p.Ser337Asn). This variant is not present in population databases (gnomAD no frequency). This variant has not been reported in the literature in individuals affected with HK1-related conditions. ClinVar contains an entry for this variant (Variation ID: 977389). Advanced modeling of protein sequence and biophysical properties (such as structural, functional, and spatial information, amino acid conservation, physicochemical variation, residue mobility, and thermodynamic stability) performed at Invitae indicates that this missense variant is not expected to disrupt HK1 protein function. In summary, the available evidence is currently insufficient to determine the role of this variant in disease. Therefore, it has been classified as a Variant of Uncertain Significance.

Ambry Genetics
Classification: Uncertain significance for Inborn genetic diseases. Last evaluated: 2021-10-12. Review status: criteria provided, single submitter. Criteria: Ambry Variant Classification Scheme 2023. Collection method: clinical testing. Allele origin: germline.

Blueprint Genetics
Classification: Uncertain significance. Last evaluated: 2021-06-17. Review status: criteria provided, single submitter. Criteria: ACMG Guidelines, 2015. Collection method: clinical testing. Allele origin: germline.

New York Genome Center
Classification: Uncertain significance for Neurodevelopmental disorder with visual defects and brain anomalies. Last evaluated: 2019-11-12. Review status: criteria provided, single submitter. Criteria: NYGC Assertion Criteria 2020. Collection method: clinical testing. Allele origin: germline. Observed: 1 heterozygote. Study: CSER-NYCKidSeq.
Comment: This variant substitutes a moderately conserved Serine for Asparagine at amino acid 372/953 (coding exon:13/23). This variant is absent from gnomAD and ExAC, suggesting it is not a common benign variant in the populations represented in these databases. In silicoalgorithms do not agree on the effect of this variant, as itis predicted both Neutral (Provean; score: -0.38) and Damaging (SIFT; score: 0.031) to the function of the canonical transcript. To our current knowledge this variant has not been reported in affected individuals in the literature. The p.Ser372 variant is within the Hexokinase large subdomain 1, which is where several other pathogenic variants have been identified in individuals affected with autosomal dominant Neurodevelopmental disorder with visual defects and brain anomalies.